The following is an entry in ClinVar:

ClinVar aggregate classification (germline): Uncertain significance. Review status: criteria provided, multiple submitters, no conflicts (2 of 4 stars). 2 submissions from 2 submitters: Uncertain significance (2). Last evaluated 2025-08-05.

gnomAD v4.1: 1 of 1,613,782 alleles (0.000062%); highest among the groups gnomAD compares: Non-Finnish European, 0.000085%; no homozygotes.

Submissions (2):

GeneDx
Classification: Uncertain significance. Last evaluated: 2025-08-05. Review status: criteria provided, single submitter. Criteria: GeneDx Variant Classification Process June 2021. Collection method: clinical testing. Allele origin: germline. Affected: yes.
Comment: Not observed at significant frequency in large population cohorts (gnomAD); In silico analysis suggests that this missense variant does not alter protein structure/function; In silico analysis is inconclusive as to whether the variant alters gene splicing. In the absence of RNA/functional studies, the actual effect of this sequence change is unknown; Has not been previously published as pathogenic or benign to our knowledge

Blueprint Genetics
Classification: Uncertain significance. Last evaluated: 2021-06-21. Review status: criteria provided, single submitter. Criteria: ACMG Guidelines, 2015. Collection method: clinical testing. Allele origin: germline.

NM_004519.4(KCNQ3):c.1211C>T (p.Ser404Leu)

Gene: KCNQ3 (potassium voltage-gated channel subfamily Q member 3; minus strand). Cytogenetic location: 8q24.22.
Variant type: single nucleotide variant.
Coding change: c.1211C>T on transcript NM_004519.4 (MANE Select); coding-DNA position 1211, C replaced by T.
Protein change: p.Ser404Leu; replaces serine 404 with leucine.
Molecular consequence: missense variant.
Genome position (GRCh38, 1-based): chr8:132,170,358, G>A on the plus strand (C>T on the coding strand, the complement: KCNQ3 is on the minus strand). VCF-style: chr8-132170358-G-A. GRCh37 (hg19) VCF-style: chr8-133182605-G-A.
Other names: c.851C>T, p.Ser284Leu (NM_001204824.2); short protein forms S284L, S404L.
Identifiers: ClinVar variation 4755983 (VCV004755983.2).
Genomic context (GRCh38, chr8:132,170,358, plus strand): 5'-GTCACGCCCTGAGCATTCAGGTGAGTCCCCACTTGCCTGAAGAAAGGAAAAGAGACGACT[G>A]ATTCATAAAATCTCCATGTCGCCACCAGGTCAATCCTGTTGGGGTTGGTAGCATAATACC-3'
Protein context (NP_004510.1, residues 394-414): DLVATWRFYE[Ser404Leu]VVSFPFFRKE